The following is an entry in ClinVar:

ClinVar aggregate classification (germline): Uncertain significance (1 of 4 stars; one submission).

Conditions:
X-linked sideroblastic anemia 1. Also called: Erythroid 5-aminolevulinate synthase deficiency; X chromosome-linked sideroblastic anemia; X-linked pyridoxine-refractory sideroblastic anemia; ANEMIA, SIDEROBLASTIC, 1, PYRIDOXINE REFRACTORY; Anemia, sideroblastic, 1; Anemia, hereditary sideroblastic 1, pyridoxine refractory. Identifiers: Orphanet 75563, MedGen C4551511, MONDO:0020721, OMIM 300751. Disease mechanism: loss of function.

Submission:

Neuberg Centre For Genomic Medicine, NCGM
Classification: Uncertain significance for X-linked sideroblastic anemia 1. Review status: criteria provided, single submitter. Criteria: ACMG Guidelines, 2015. Collection method: clinical testing. Allele origin: germline. Inheritance: X-linked recessive inheritance. Affected: yes.
Comment: The inframe insertion c.272_274dup (p.Glu91dup) variant in ALAS2 gene has not been reported previously as a pathogenic variant nor as a benign variant, to our knowledge. The p.Glu91dup variant is absent in gnomAD Exomes database. This variant has not been reported to the ClinVar database. This variant p.Glu91dup causes duplication of amino acid Glutamic Acid at postion 91. For these reasons, this variant has been classified as a Variant of Uncertain Significance (VUS).

NM_000032.5(ALAS2):c.272_274dup (p.Glu91_Val92insGlu)

Genes: ALAS2 (5'-aminolevulinate synthase 2; minus strand), LOC108663984 (ALAS2 intron 1 and 3 erythroid regulatory elements; plus strand). Cytogenetic location: Xp11.21.
Variant type: Duplication.
Coding change: c.272_274dup on transcript NM_000032.5 (MANE Select); coding-DNA positions 272 to 274, 3 bases duplicated (AAG; older notation c.272_274dupAAG).
Protein change: p.Glu91_Val92insGlu.
Molecular consequence: inframe insertion.
Genome position (GRCh38, 1-based): chrX:55,024,748-55,024,750, CTT duplicated on the plus strand (AAG on the coding strand, the reverse complement: ALAS2 is on the minus strand); duplicating any 3 consecutive bases within chrX:55,024,748-55,024,752 gives the same sequence; the c. name uses the placement nearest the transcript's 3' end. VCF-style (leftmost placement, unchanged base first): chrX-55024747-A-ACTT. GRCh37 (hg19) VCF-style: chrX-55051180-A-ACTT.
Other names: c.272_274dup, p.Glu91_Val92insGlu (NM_001037967.4); c.344_346dup, p.Glu115_Val116insGlu (NM_001037968.4).
Identifiers: ClinVar variation 3242106 (VCV003242106.1), dbSNP rs2519592407.